The following is an entry in ClinVar:

ClinVar aggregate classification (germline): Uncertain significance. Review status: criteria provided, multiple submitters, no conflicts (2 of 4 stars). 2 submissions from 2 submitters: Uncertain significance (2). Last evaluated 2024-11-25.

Allele frequency attached by ClinVar (database versions not stated): ExAC 0.00002; gnomAD 0.00006; gnomAD exomes 0.00001; TOPMed 0.00008; ESP Exome Variant Server 0.00008.
gnomAD v4.1: 28 of 1,613,818 alleles (0.0017%); highest among the groups gnomAD compares: African/African-American, 0.017%; no homozygotes.

Submissions (2):

Ambry Genetics
Classification: Uncertain significance. Last evaluated: 2024-11-25. Review status: criteria provided, single submitter. Criteria: Ambry Variant Classification Scheme 2023. Collection method: clinical testing. Allele origin: germline.
Comment: The p.E787K variant (also known as c.2359G>A), located in coding exon 13 of the ATRIP gene, results from a G to A substitution at nucleotide position 2359. The glutamic acid at codon 787 is replaced by lysine, an amino acid with similar properties. This amino acid position is conserved. In addition, this alteration is predicted to be tolerated by in silico analysis. Based on the available evidence, the clinical significance of this variant remains unclear.

Labcorp Genetics (formerly Invitae), Labcorp
Classification: Uncertain significance. Last evaluated: 2023-02-13. Review status: criteria provided, single submitter. Criteria: Invitae Variant Classification Sherloc (09022015). Collection method: clinical testing. Allele origin: germline.
Comment: In summary, the available evidence is currently insufficient to determine the role of this variant in disease. Therefore, it has been classified as a Variant of Uncertain Significance. Algorithms developed to predict the effect of missense changes on protein structure and function (SIFT, PolyPhen-2, Align-GVGD) all suggest that this variant is likely to be tolerated. This variant has not been reported in the literature in individuals affected with ATRIP-related conditions. This variant is present in population databases (rs374400972, gnomAD 0.02%). This sequence change replaces glutamic acid, which is acidic and polar, with lysine, which is basic and polar, at codon 787 of the ATRIP protein (p.Glu787Lys).

NM_130384.3(ATRIP):c.2359G>A (p.Glu787Lys)

Genes: ATRIP (ATR interacting protein; plus strand), ATRIP-TREX1 (ATRIP-TREX1 readthrough; plus strand), LOC129936704 (ATAC-STARR-seq lymphoblastoid active region 19829; plus strand). Cytogenetic location: 3p21.31.
Variant type: single nucleotide variant.
Coding change: c.2359G>A on transcript NM_130384.3 (MANE Select); coding-DNA position 2359, G replaced by A.
Protein change: p.Glu787Lys; replaces glutamic acid 787 with lysine.
Molecular consequence: missense variant. On other transcripts: non-coding transcript variant (1).
Genome position (GRCh38, 1-based): chr3:48,465,537, G>A. VCF-style: chr3-48465537-G-A. GRCh37 (hg19) VCF-style: chr3-48506936-G-A.
Other names: c.-799G>A (NM_033629.4); c.1978G>A, p.Glu660Lys (NM_001271022.2); c.2080G>A, p.Glu694Lys (NM_001271023.2); c.2278G>A, p.Glu760Lys (NM_032166.4); short protein forms E694K, E660K, E787K, E760K.
Identifiers: ClinVar variation 2799807 (VCV002799807.3), dbSNP rs374400972, ClinGen allele CA2376477.